The following is an entry in ClinVar:

ClinVar aggregate classification (germline): Likely pathogenic (1 of 4 stars; one submission).

Conditions:
Hereditary cancer-predisposing syndrome. Also called: Hereditary neoplastic syndrome; Neoplastic Syndromes, Hereditary; Tumor predisposition; Hereditary Cancer Syndrome. Identifiers: Orphanet 140162, MedGen C0027672, MeSH D009386, MONDO:0015356.

Submission:

Labcorp Genetics (formerly Invitae), Labcorp
Classification: Likely pathogenic for Hereditary cancer-predisposing syndrome. Last evaluated: 2023-02-22. Review status: criteria provided, single submitter. Criteria: Invitae Variant Classification Sherloc (09022015). Collection method: clinical testing. Allele origin: germline.
Comment: In summary, the currently available evidence indicates that the variant is pathogenic, but additional data are needed to prove that conclusively. Therefore, this variant has been classified as Likely Pathogenic. This variant results in a copy number gain of the genomic region encompassing exon(s) 15-21 of the RAD50 gene. While the exact position of this variant cannot be determined from the data, sub-genic copy number gains are generally in tandem (PMID: 25640679). This variant is predicted to be out-of-frame, and may result in an absent or disrupted protein product. Loss-of-function variants in RAD50 are known to be pathogenic (PMID: 19409520). This variant has not been reported in the literature in individuals affected with RAD50-related conditions.

Literature cited by the submitters: PubMed 25640679; PubMed 19409520.

NC_000005.10:g.(?_132603910)_(132618304_?)dup

Gene: RAD50 (RAD50 double strand break repair protein; plus strand). Cytogenetic location: 5q31.1.
Variant type: Duplication.
Identifiers: ClinVar variation 833395 (VCV000833395.5).